The following is an entry in ClinVar:

ClinVar aggregate classification (germline): Likely pathogenic (1 of 4 stars; one submission).

Conditions:
Sotos syndrome (SOTOS). Also called: CEREBRAL GIGANTISM; Sotos' syndrome; Distinctive facial appearance, overgrowth in childhood, and learning disabilities or delayed development; SOTOS SYNDROME 1; CHROMOSOME 5q35 DELETION SYNDROME. Identifiers: Orphanet 821, MedGen C0175695, MONDO:0019349, OMIM 117550.

Submission:

Molecular Genetics Department, Kulakov National Medical Research Center for Obstetrics, Gynecology and Perinatology
Classification: Likely pathogenic for Sotos syndrome. Review status: criteria provided, single submitter. Criteria: ACMG Guidelines, 2015. Collection method: clinical testing. Allele origin: de novo. Affected: yes. Observed: 1 variant allele.
Comment: A previously undescribed heterozygous nucleotide variant creates a frameshift p.Arg870IlefsTer4 in the NSD1 gene. Heterozygous variants of this type are reported in patients with Sotos syndrome, 117550. The variant is not present in population database (gnomAD no frequency). Sanger sequencing revealed that the variant arose de novo (parentage confirmed). In summary, the currently available evidence indicates that the variant is pathogenic, but additional data are needed to prove that conclusively. Therefore, this variant has been classified as likely pathogenic.

NM_022455.5(NSD1):c.2609_2610del (p.Arg870fs)

Gene: NSD1 (nuclear receptor binding SET domain protein 1; plus strand). Cytogenetic location: 5q35.3.
Variant type: Deletion.
Coding change: c.2609_2610del on transcript NM_022455.5 (MANE Select); coding-DNA positions 2609 to 2610, 2 bases deleted (GA; older notation c.2609_2610delGA).
Protein change: p.Arg870fs; shifts the reading frame from arginine 870.
Molecular consequence: frameshift variant.
Genome position (GRCh38, 1-based): chr5:177,211,008-177,211,009, GA deleted; deleting any 2 consecutive bases within chr5:177,211,007-177,211,009 gives the same sequence; the c. name uses the placement nearest the transcript's 3' end. VCF-style (leftmost placement, unchanged base first): chr5-177211006-CAG-C. GRCh37 (hg19) VCF-style: chr5-176638007-CAG-C.
Other names: c.1736_1737del, p.Arg579fs (NM_001365684.2, NM_001409306.1, NM_001409307.1 and 3 more transcripts); c.2609_2610del, p.Arg870fs (NM_001409301.1, NM_001409302.1, NM_001409303.1); c.2189_2190del, p.Arg730fs (NM_001409304.1); c.1856_1857del, p.Arg619fs (NM_001409305.1); short protein forms R619fs, R730fs, R870fs, R579fs.
Identifiers: ClinVar variation 4294497 (VCV004294497.1).
Genomic context (GRCh38, chr5:177,211,006, plus strand): 5'-AAGTGACATAGAAACAGCAGTGGTGAAACATGTTTTATCCGAGTTGAAGGAACTCTCTTA[CAG>C]ATCCTTAGGTGAGGATGTCAGTGACTCTGGAACATCAAAGCCATCAAAACCATTACTTTT-3'